The following is an entry in ClinVar:

NM_000051.4(ATM):c.7446G>A (p.Met2482Ile)

Genes: C11orf65 (chromosome 11 open reading frame 65; minus strand), ATM (ATM serine/threonine kinase; plus strand). Cytogenetic location: 11q22.3.
Variant type: single nucleotide variant.
Coding change: c.7446G>A on transcript NM_000051.4 (MANE Select); coding-DNA position 7446, G replaced by A.
Protein change: p.Met2482Ile; replaces methionine 2482 with isoleucine.
Molecular consequence: missense variant. On other transcripts: intron variant (2).
Genome position (GRCh38, 1-based): chr11:108,330,352, G>A. VCF-style: chr11-108330352-G-A. GRCh37 (hg19) VCF-style: chr11-108201079-G-A.
Other names: c.7446G>A, p.Met2482Ile (NM_001351834.2); c.641-21281C>T (NM_001330368.2); c.*38+4868C>T (NM_001351110.2); short protein forms M2482I.
Identifiers: ClinVar variation 1054110 (VCV001054110.11), dbSNP rs2136460286, ClinGen allele CA382560324.

ClinVar aggregate classification (germline): Uncertain significance. Review status: criteria provided, multiple submitters, no conflicts (2 of 4 stars). 2 submissions from 2 submitters: Uncertain significance (2). Last evaluated 2020-10-21.

Conditions:
Hereditary cancer-predisposing syndrome. Also called: Neoplastic Syndromes, Hereditary; Tumor predisposition; Hereditary Cancer Syndrome; Hereditary neoplastic syndrome. Identifiers: Orphanet 140162, MedGen C0027672, MeSH D009386, MONDO:0015356.
Ataxia-telangiectasia syndrome (AT). Also called: Ataxia telangiectasia (A-T); ATAXIA-TELANGIECTASIA, COMPLEMENTATION GROUP A; ATAXIA-TELANGIECTASIA, FRESNO VARIANT; Ataxia-telangiectasia; Ataxia-telangiectasia, complementation group E; LOUIS-BAR SYNDROME. Identifiers: Orphanet 100, MedGen C0004135, MONDO:0008840, OMIM 208900.

Submissions (2):

Labcorp Genetics (formerly Invitae), Labcorp
Classification: Uncertain significance for Ataxia-telangiectasia syndrome. Last evaluated: 2020-10-21. Review status: criteria provided, single submitter. Criteria: Invitae Variant Classification Sherloc (09022015). Collection method: clinical testing. Allele origin: germline.
Comment: In summary, the available evidence is currently insufficient to determine the role of this variant in disease. Therefore, it has been classified as a Variant of Uncertain Significance. Advanced modeling of protein sequence and biophysical properties (such as structural, functional, and spatial information, amino acid conservation, physicochemical variation, residue mobility, and thermodynamic stability) performed at Invitae indicates that this missense variant is not expected to disrupt ATM protein function. This variant has been observed in individual(s) with breast cancer (PMID: 19781682, 17393301). This variant is not present in population databases (ExAC no frequency). This sequence change replaces methionine with isoleucine at codon 2482 of the ATM protein (p.Met2482Ile). The methionine residue is moderately conserved and there is a small physicochemical difference between methionine and isoleucine.

Ambry Genetics
Classification: Uncertain significance for Hereditary cancer-predisposing syndrome. Last evaluated: 2020-08-06. Review status: criteria provided, single submitter. Criteria: Ambry Variant Classification Scheme 2023. Collection method: clinical testing. Allele origin: germline.
Comment: The p.M2482I variant (also known as c.7446G>A), located in coding exon 49 of the ATM gene, results from a G to A substitution at nucleotide position 7446. The methionine at codon 2482 is replaced by isoleucine, an amino acid with highly similar properties. This variant has been previously detected in patients with breast cancer (Broeks A et al. Breast Cancer Res. Treat., 2008 Jan;107:243-8; Tavtigian SV et al. Am. J. Hum. Genet., 2009 Oct;85:427-46). This amino acid position is not well conserved in available vertebrate species. In addition, this alteration is predicted to be tolerated by in silico analysis. Since supporting evidence is limited at this time, the clinical significance of this alteration remains unclear.

Literature cited by the submitters: PubMed 19781682 (cited by Labcorp Genetics (formerly Invitae), Labcorp and Ambry Genetics); PubMed 17393301 (cited by Labcorp Genetics (formerly Invitae), Labcorp and Ambry Genetics).